The following is an entry in ClinVar:

ClinVar aggregate classification (germline): Likely benign (1 of 4 stars; one submission).

Conditions:
TRPM1-related disorder. Also called: TRPM1-related condition.

Submission:

PreventionGenetics, part of Exact Sciences
Classification: Likely benign for TRPM1-related condition. Last evaluated: 2025-06-26. Review status: criteria provided, single submitter. Criteria: ACMG Guidelines, 2015. Collection method: clinical testing. Allele origin: germline.
Comment: This variant is classified as likely benign based on ACMG/AMP sequence variant interpretation guidelines (Richards et al. 2015 PMID: 25741868, with internal and published modifications).

NM_001252024.2(TRPM1):c.1692A>T (p.Gly564=)

Gene: TRPM1 (transient receptor potential cation channel subfamily M member 1; minus strand). Cytogenetic location: 15q13.3.
Variant type: single nucleotide variant.
Coding change: c.1692A>T on transcript NM_001252024.2 (MANE Select); coding-DNA position 1692, A replaced by T.
Protein change: p.Gly564=; no amino-acid change (glycine 564 retained).
Molecular consequence: synonymous variant.
Genome position (GRCh38, 1-based): chr15:31,047,183, T>A on the plus strand (A>T on the coding strand, the complement: TRPM1 is on the minus strand). VCF-style: chr15-31047183-T-A. GRCh37 (hg19) VCF-style: chr15-31339386-T-A.
Other names: c.1743A>T, p.Gly581= (NM_001252020.2); c.1626A>T, p.Gly542= (NM_002420.6).
Identifiers: ClinVar variation 4985018 (VCV004985018.1).